The following is an entry in ClinVar:

NM_000541.5(SAG):c.824A>T (p.Asn275Ile)

Gene: SAG (S-antigen visual arrestin; plus strand). Cytogenetic location: 2q37.1.
Variant type: single nucleotide variant.
Coding change: c.824A>T on transcript NM_000541.5 (MANE Select); coding-DNA position 824, A replaced by T.
Protein change: p.Asn275Ile; replaces asparagine 275 with isoleucine.
Molecular consequence: missense variant.
Genome position (GRCh38, 1-based): chr2:233,334,979, A>T. VCF-style: chr2-233334979-A-T. GRCh37 (hg19) VCF-style: chr2-234243625-A-T.
Other names: short protein forms N275I.
Identifiers: ClinVar variation 2719023 (VCV002719023.3), dbSNP rs915086028, ClinGen allele CA67556869.

ClinVar aggregate classification (germline): Uncertain significance (1 of 4 stars; one submission).

Allele frequency attached by ClinVar (database versions not stated): gnomAD exomes below 0.00001; TOPMed below 0.00001.
gnomAD v4.1: 1 of 1,613,982 alleles (0.000062%); highest among the groups gnomAD compares: African/African-American, 0.0013%; no homozygotes.

Submission:

Labcorp Genetics (formerly Invitae), Labcorp
Classification: Uncertain significance. Last evaluated: 2023-06-18. Review status: criteria provided, single submitter. Criteria: Invitae Variant Classification Sherloc (09022015). Collection method: clinical testing. Allele origin: germline.
Comment: In summary, the available evidence is currently insufficient to determine the role of this variant in disease. Therefore, it has been classified as a Variant of Uncertain Significance. Advanced modeling of protein sequence and biophysical properties (such as structural, functional, and spatial information, amino acid conservation, physicochemical variation, residue mobility, and thermodynamic stability) performed at Invitae indicates that this missense variant is not expected to disrupt SAG protein function. This variant has not been reported in the literature in individuals affected with SAG-related conditions. This variant is not present in population databases (gnomAD no frequency). This sequence change replaces asparagine, which is neutral and polar, with isoleucine, which is neutral and non-polar, at codon 275 of the SAG protein (p.Asn275Ile).